The following is an entry in ClinVar:

ClinVar aggregate classification (germline): Likely benign. Review status: criteria provided, multiple submitters, no conflicts (2 of 4 stars). 2 submissions from 2 submitters: Likely benign (2). Last evaluated 2025-12-01.

Allele frequency attached by ClinVar (database versions not stated): gnomAD 0.00001.

Submissions (2):

CeGaT Center for Human Genetics Tuebingen
Classification: Likely benign. Last evaluated: 2025-12-01. Review status: criteria provided, single submitter. Criteria: CeGaT Center For Human Genetics Tuebingen Variant Classification Criteria Version 2. Collection method: clinical testing. Allele origin: germline. Affected: yes. Observed: 1 variant allele.
Comment: HMX1: BP4, BP7

Labcorp Genetics (formerly Invitae), Labcorp
Classification: Likely benign. Last evaluated: 2025-09-15. Review status: criteria provided, single submitter. Criteria: Invitae Variant Classification Sherloc (09022015). Collection method: clinical testing. Allele origin: germline.

NM_018942.3(HMX1):c.1014C>T (p.Pro338=)

Gene: HMX1 (H6 family homeobox 1; minus strand). Cytogenetic location: 4p16.1.
Variant type: single nucleotide variant.
Coding change: c.1014C>T on transcript NM_018942.3 (MANE Select); coding-DNA position 1014, C replaced by T.
Protein change: p.Pro338=; no amino-acid change (proline 338 retained).
Molecular consequence: synonymous variant. On other transcripts: intron variant (1).
Genome position (GRCh38, 1-based): chr4:8,867,726, G>A on the plus strand (C>T on the coding strand, the complement: HMX1 is on the minus strand). VCF-style: chr4-8867726-G-A. GRCh37 (hg19) VCF-style: chr4-8869452-G-A.
Other names: c.394+3495C>T (NM_001306142.2).
Identifiers: ClinVar variation 1147757 (VCV001147757.14), dbSNP rs1329052001, ClinGen allele CA356277214.
Genomic context (GRCh38, chr4:8,867,726, plus strand): 5'-GTGGGGAGAGGGCCCGGCAGGCGGGGCTCACACCAGGCCAGGCATCTGCGCCCGCAGAAA[G>A]GGCACGGAGGCGGCGGCCGGGAAGGCGGCCAGCGGGTAGGCGAGGGCCCCGGAGAAGCCG-3'
Protein context (NP_061815.2, residues 328-348): LAAFPAAASV[Pro338=]FLRAQMPGLV